The following is an entry in ClinVar:

NM_001694.4(ATP6V0C):c.414C>T (p.Ala138=)

Gene: ATP6V0C (ATPase H+ transporting V0 subunit c; plus strand). Cytogenetic location: 16p13.3.
Variant type: single nucleotide variant.
Coding change: c.414C>T on transcript NM_001694.4 (MANE Select); coding-DNA position 414, C replaced by T.
Protein change: p.Ala138=; no amino-acid change (alanine 138 retained).
Molecular consequence: synonymous variant.
Genome position (GRCh38, 1-based): chr16:2,519,691, C>T. VCF-style: chr16-2519691-C-T. GRCh37 (hg19) VCF-style: chr16-2569692-C-T.
Other names: c.414C>T, p.Ala138= (NM_001198569.2).
Identifiers: ClinVar variation 5039529 (VCV005039529.1).

ClinVar aggregate classification (germline): Likely benign (1 of 4 stars; one submission).

gnomAD v4.1: 17 of 1,611,884 alleles (0.0011%); highest among the groups gnomAD compares: East Asian, 0.0022%; no homozygotes.

Submission:

CeGaT Center for Human Genetics Tuebingen
Classification: Likely benign. Last evaluated: 2026-07-01. Review status: criteria provided, single submitter. Criteria: CeGaT Center For Human Genetics Tuebingen Variant Classification Criteria Version 2. Collection method: clinical testing. Allele origin: germline. Affected: yes. Observed: 1 variant allele.
Comment: ATP6V0C: BP4, BP7